The following is an entry in ClinVar:

ClinVar aggregate classification (germline): Pathogenic (1 of 4 stars; one submission).

gnomAD v4.1: 4 of 1,613,976 alleles (0.00025%); highest among the groups gnomAD compares: Non-Finnish European, 0.00034%; no homozygotes.

Submission:

Labcorp Genetics (formerly Invitae), Labcorp
Classification: Pathogenic. Last evaluated: 2025-02-04. Review status: criteria provided, single submitter. Criteria: Invitae Variant Classification Sherloc (09022015). Collection method: clinical testing. Allele origin: germline.
Comment: This sequence change creates a premature translational stop signal (p.Gln32*) in the IFT43 gene. It is expected to result in an absent or disrupted protein product. Loss-of-function variants in IFT43 are known to be pathogenic (PMID: 21378380, 28400947). This variant is present in population databases (no rsID available, gnomAD 0.002%). This variant has not been reported in the literature in individuals affected with IFT43-related conditions. For these reasons, this variant has been classified as Pathogenic.

Literature cited by the submitters: PubMed 21378380; PubMed 28400947.

NM_001102564.3(IFT43):c.94C>T (p.Gln32Ter)

Gene: IFT43 (intraflagellar transport 43; plus strand). Cytogenetic location: 14q24.3.
Variant type: single nucleotide variant.
Coding change: c.94C>T on transcript NM_001102564.3 (MANE Select); coding-DNA position 94, C replaced by T.
Protein change: p.Gln32Ter; replaces glutamine 32 with a stop codon.
Molecular consequence: nonsense. On other transcripts: non-coding transcript variant (2).
Genome position (GRCh38, 1-based): chr14:75,988,924, C>T. VCF-style: chr14-75988924-C-T. GRCh37 (hg19) VCF-style: chr14-76455267-C-T.
Other names: c.94C>T, p.Gln32Ter (NM_001255995.3, NM_052873.3); short protein forms Q32*.
Identifiers: ClinVar variation 4694554 (VCV004694554.1).